The following is an entry in ClinVar:

NM_001048174.2(MUTYH):c.1042G>C (p.Val348Leu)

Gene: MUTYH (mutY DNA glycosylase; minus strand). Cytogenetic location: 1p34.1.
Variant type: single nucleotide variant.
Coding change: c.1042G>C on transcript NM_001048174.2 (MANE Select); coding-DNA position 1042, G replaced by C.
Protein change: p.Val348Leu; replaces valine 348 with leucine.
Molecular consequence: missense variant. On other transcripts: non-coding transcript variant (2).
Genome position (GRCh38, 1-based): chr1:45,331,721, C>G on the plus strand (G>C on the coding strand, the complement: MUTYH is on the minus strand). VCF-style: chr1-45331721-C-G. GRCh37 (hg19) VCF-style: chr1-45797393-C-G.
Other names: c.1042G>C, p.Val348Leu (NM_001048171.2, NM_001048173.2, NM_001293195.2); c.1045G>C, p.Val349Leu (NM_001048172.2); c.1126G>C, p.Val376Leu (NM_001128425.2); c.1087G>C, p.Val363Leu (NM_001293190.2); c.1075G>C, p.Val359Leu (NM_001293191.2); c.766G>C, p.Val256Leu (NM_001293192.2, NM_001293196.2); c.697G>C, p.Val233Leu (NM_001350650.2, NM_001350651.2); c.1117G>C, p.Val373Leu (NM_012222.3); short protein forms V373L, V349L, V359L, V363L, V376L, V233L, V256L, V348L.
Identifiers: ClinVar variation 822226 (VCV000822226.5), dbSNP rs1570382710, ClinGen allele CA340133470.
Genomic context (GRCh38, chr1:45,331,721, plus strand): 5'-CTGAGTTGGGCCTCTGCACCAGCAGAATTTGGGCCCCAAGGGCCCCAGGCTGTTCCAGAA[C>G]ACAGGTGGCAGAGCTCTCCTCCCTGGGGGGCTTGCGGCTGGCCTTTCTGGGGAAGTTGAC-3'
Protein context (NP_001041639.1, residues 338-358): PPREESSATC[Val348Leu]LEQPGALGAQ

ClinVar aggregate classification (germline): Uncertain significance (1 of 4 stars; one submission).

Conditions:
Hereditary cancer-predisposing syndrome. Also called: Tumor predisposition; Hereditary Cancer Syndrome; Neoplastic Syndromes, Hereditary; Hereditary neoplastic syndrome. Identifiers: Orphanet 140162, MedGen C0027672, MeSH D009386, MONDO:0015356.

Submission:

Ambry Genetics
Classification: Uncertain significance for Hereditary cancer-predisposing syndrome. Last evaluated: 2023-04-03. Review status: criteria provided, single submitter. Criteria: Ambry Variant Classification Scheme 2023. Collection method: clinical testing. Allele origin: germline.
Comment: The p.V376L variant (also known as c.1126G>C), located in coding exon 12 of the MUTYH gene, results from a G to C substitution at nucleotide position 1126. The valine at codon 376 is replaced by leucine, an amino acid with highly similar properties. This amino acid position is well conserved in available vertebrate species. In addition, the in silico prediction for this alteration is inconclusive. Since supporting evidence is limited at this time, the clinical significance of this alteration remains unclear.